The following is an entry in ClinVar:

NM_020988.3(GNAO1):c.1045C>T (p.Arg349Trp)

Gene: GNAO1 (G protein subunit alpha o1; plus strand). Cytogenetic location: 16q13.
Variant type: single nucleotide variant.
Coding change: c.1045C>T on transcript NM_020988.3 (MANE Select); coding-DNA position 1045, C replaced by T.
Protein change: p.Arg349Trp; replaces arginine 349 with tryptophan.
Molecular consequence: missense variant.
Genome position (GRCh38, 1-based): chr16:56,355,033, C>T. VCF-style: chr16-56355033-C-T. GRCh37 (hg19) VCF-style: chr16-56388945-C-T.
Other names: c.1045C>T (NM_020988.2); short protein forms R349W.
Identifiers: ClinVar variation 1358460 (VCV001358460.11), dbSNP rs2143705059, ClinGen allele CA395955415.

ClinVar aggregate classification (germline): Conflicting classifications of pathogenicity. Review status: criteria provided, conflicting classifications (1 of 4 stars). 3 submissions from 3 submitters: Likely pathogenic (1); Uncertain significance (2). Last evaluated 2026-04-29.

Conditions:
Early-infantile DEE. Also called: Early infantile epileptic encephalopathy; Early infantile epileptic encephalopathy with suppression bursts; Ohtahara syndrome. Identifiers: Orphanet 1934, MedGen C0393706, MONDO:0800491.
Neurodevelopmental disorder with involuntary movements (NEDIM). Identifiers: Orphanet 592564, MedGen C4479569, MONDO:0060491, OMIM 617493.

Submissions (3):

GeneDx
Classification: Likely pathogenic. Last evaluated: 2026-04-29. Review status: criteria provided, single submitter. Criteria: GeneDx Variant Classification Process June 2021. Collection method: clinical testing. Allele origin: germline.
Comment: Not observed at significant frequency in large population cohorts (gnomAD); In silico analysis supports that this missense variant has a deleterious effect on protein structure/function; Has not been previously published as pathogenic or benign to our knowledge

3billion
Classification: Uncertain significance for Neurodevelopmental disorder with involuntary movements. Last evaluated: 2024-06-13. Review status: criteria provided, single submitter. Criteria: ACMG Guidelines, 2015. Collection method: clinical testing. Allele origin: germline. Affected: yes.
Comment: The variant is not observed in the gnomAD v4.0.0 dataset. Predicted Consequence/Location: Missense changes are a common disease-causing mechanism. In silico tool predictions suggest damaging effect of the variant on gene or gene product [REVEL: 0.77 (>=0.6, sensitivity 0.68 and specificity 0.92)]. The same nucleotide change resulting in the same amino acid change has been previously reported to be associated with GNAO1 related disorder (ClinVar ID: VCV001358460). However, the evidence of pathogenicity is insufficient at this time. A different missense change at the same codon (p.Arg349Gln) has been reported to be associated with GNAO1 related disorder (ClinVar ID: VCV002580778). Therefore, this variant is classified as VUS according to the recommendation of ACMG/AMP guideline.

Labcorp Genetics (formerly Invitae), Labcorp
Classification: Uncertain significance for Early-infantile DEE. Last evaluated: 2021-06-13. Review status: criteria provided, single submitter. Criteria: Invitae Variant Classification Sherloc (09022015). Collection method: clinical testing. Allele origin: germline.
Comment: In summary, the available evidence is currently insufficient to determine the role of this variant in disease. Therefore, it has been classified as a Variant of Uncertain Significance. Algorithms developed to predict the effect of missense changes on protein structure and function are either unavailable or do not agree on the potential impact of this missense change (SIFT: "Deleterious"; PolyPhen-2: "Probably Damaging"; Align-GVGD: "Class C0"). This variant has not been reported in the literature in individuals with GNAO1-related conditions. This variant is not present in population databases (ExAC no frequency). This sequence change replaces arginine with tryptophan at codon 349 of the GNAO1 protein (p.Arg349Trp). The arginine residue is highly conserved and there is a moderate physicochemical difference between arginine and tryptophan.